The following is an entry in ClinVar:

ClinVar aggregate classification (germline): Uncertain significance (1 of 4 stars; one submission).

Conditions:
Muscular dystrophy-dystroglycanopathy type B6 (MDDGB6). Also called: MUSCULAR DYSTROPHY-DYSTROGLYCANOPATHY (CONGENITAL WITH IMPAIRED INTELLECTUAL DEVELOPMENT), TYPE B, 6; MUSCULAR DYSTROPHY, CONGENITAL, LARGE-RELATED; MUSCULAR DYSTROPHY, CONGENITAL, TYPE 1D. Identifiers: MedGen C1837229, MONDO:0012138, OMIM 608840.

Allele frequency attached by ClinVar (database versions not stated): TOPMed below 0.00001; ExAC 0.00001; gnomAD exomes 0.00001.
gnomAD v4.1: 5 of 1,614,000 alleles (0.00031%); highest among the groups gnomAD compares: South Asian, 0.0011%; no homozygotes.

Submission:

Labcorp Genetics (formerly Invitae), Labcorp
Classification: Uncertain significance for Muscular dystrophy-dystroglycanopathy type B6. Last evaluated: 2021-10-28. Review status: criteria provided, single submitter. Criteria: Invitae Variant Classification Sherloc (09022015). Collection method: clinical testing. Allele origin: germline.
Comment: Algorithms developed to predict the effect of missense changes on protein structure and function (SIFT, PolyPhen-2, Align-GVGD) all suggest that this variant is likely to be disruptive. This variant has not been reported in the literature in individuals affected with LARGE1-related conditions. This variant is present in population databases (rs748074253, gnomAD 0.01%). This sequence change replaces tyrosine, which is neutral and polar, with cysteine, which is neutral and slightly polar, at codon 444 of the LARGE1 protein (p.Tyr444Cys). Algorithms developed to predict the effect of sequence changes on RNA splicing suggest that this variant may create or strengthen a splice site. In summary, the available evidence is currently insufficient to determine the role of this variant in disease. Therefore, it has been classified as a Variant of Uncertain Significance.

NM_133642.5(LARGE1):c.1331A>G (p.Tyr444Cys)

Gene: LARGE1 (LARGE xylosyl- and glucuronyltransferase 1; minus strand). Cytogenetic location: 22q12.3.
Variant type: single nucleotide variant.
Coding change: c.1331A>G on transcript NM_133642.5 (MANE Select); coding-DNA position 1331, A replaced by G.
Protein change: p.Tyr444Cys; replaces tyrosine 444 with cysteine.
Molecular consequence: missense variant.
Genome position (GRCh38, 1-based): chr22:33,316,205, T>C on the plus strand (A>G on the coding strand, the complement: LARGE1 is on the minus strand). VCF-style: chr22-33316205-T-C. GRCh37 (hg19) VCF-style: chr22-33712191-T-C.
Other names: c.1331A>G, p.Tyr444Cys (NM_001362949.2, NM_001362951.2, NM_001362953.2 and 6 more transcripts); c.1175A>G, p.Tyr392Cys (NM_001378629.1); c.728A>G, p.Tyr243Cys (NM_001378630.1); c.572A>G, p.Tyr191Cys (NM_001378631.1); short protein forms Y243C, Y444C, Y191C, Y392C.
Identifiers: ClinVar variation 1347933 (VCV001347933.6), dbSNP rs748074253, ClinGen allele CA10202775.